The following is an entry in ClinVar:

NM_017757.3(ZNF407):c.6279G>A (p.Ala2093=)

Gene: ZNF407 (zinc finger protein 407; plus strand). Cytogenetic location: 18q22.3.
Variant type: single nucleotide variant.
Coding change: c.6279G>A on transcript NM_017757.3 (MANE Select); coding-DNA position 6279, G replaced by A.
Protein change: p.Ala2093=; no amino-acid change (alanine 2093 retained).
Molecular consequence: synonymous variant.
Genome position (GRCh38, 1-based): chr18:75,064,000, G>A. VCF-style: chr18-75064000-G-A. GRCh37 (hg19) VCF-style: chr18-72775956-G-A.
Other names: c.6279G>A, p.Ala2093= (NM_001384475.1).
Identifiers: ClinVar variation 708267 (VCV000708267.6), dbSNP rs192780750, ClinGen allele CA9001341.
Genomic context (GRCh38, chr18:75,064,000, plus strand): 5'-GGTGGCCTTCAAGAAGATGGTCCAGGGCGTCCTCCAGTTTGCTGTGTGTGACACGGCCGC[G>A]GCCGGCCAGTTGGTCAAGGACGGTGTCACCCAGGTGGTGGTGAGCGAAGAGGGTGCCGTC-3'
Protein context (NP_060227.2, residues 2083-2103): VLQFAVCDTA[Ala2093=]AGQLVKDGVT

ClinVar aggregate classification (germline): Benign. Review status: criteria provided, single submitter (1 of 4 stars). 2 submissions from 2 submitters: Benign (1). 1 of the submissions does not count toward it. Last evaluated 2019-12-31.

Conditions:
ZNF407-related disorder. Also called: ZNF407-related condition.

Allele frequency attached by ClinVar (database versions not stated): ESP Exome Variant Server 0.00024; gnomAD 0.00070; TOPMed 0.00113; 1000 Genomes Project 0.00200; 1000 Genomes Project 30x 0.00234.
gnomAD v4.1: 546 of 1,611,020 alleles (0.034%); highest among the groups gnomAD compares: East Asian, 0.77%; 2 homozygotes.

Submissions (2):

Labcorp Genetics (formerly Invitae), Labcorp
Classification: Benign. Last evaluated: 2019-12-31. Review status: criteria provided, single submitter. Criteria: Invitae Variant Classification Sherloc (09022015). Collection method: clinical testing. Allele origin: germline.

PreventionGenetics, part of Exact Sciences
Classification: Benign for ZNF407-related condition. Last evaluated: 2019-03-08. Review status: no assertion criteria provided. Collection method: clinical testing. Allele origin: germline. Not counted in ClinVar's aggregate classification.
Comment: This variant is classified as benign based on ACMG/AMP sequence variant interpretation guidelines (Richards et al. 2015 PMID: 25741868, with internal and published modifications).